The following is an entry in ClinVar:

NM_001035.3(RYR2):c.12368A>G (p.Glu4123Gly)

Gene: RYR2 (ryanodine receptor 2; plus strand). Cytogenetic location: 1q43.
Variant type: single nucleotide variant.
Coding change: c.12368A>G on transcript NM_001035.3 (MANE Select); coding-DNA position 12368, A replaced by G.
Protein change: p.Glu4123Gly; replaces glutamic acid 4123 with glycine.
Molecular consequence: missense variant.
Genome position (GRCh38, 1-based): chr1:237,784,080, A>G. VCF-style: chr1-237784080-A-G. GRCh37 (hg19) VCF-style: chr1-237947380-A-G.
Other names: short protein forms E4123G.
Identifiers: ClinVar variation 3072576 (VCV003072576.1), dbSNP rs2527782082, ClinGen allele CA345413066.

ClinVar aggregate classification (germline): Uncertain significance (1 of 4 stars; one submission).

Conditions:
Catecholaminergic polymorphic ventricular tachycardia (CVPT). Also called: Catecholamine-induced polymorphic ventricular tachycardia. Identifiers: Orphanet 3286, MedGen C5574922, MONDO:0017990.

Submission:

All of Us Research Program, National Institutes of Health
Classification: Uncertain significance for Catecholaminergic polymorphic ventricular tachycardia. Last evaluated: 2023-08-15. Review status: criteria provided, single submitter. Criteria: ACMG Guidelines, 2015. Collection method: clinical testing. Allele origin: germline. Inheritance: Autosomal dominant inheritance. Observed: 1 variant allele, 1 heterozygote.
Comment: This study involves interpretation of variants in research participants for the purpose of population health screening. Participant phenotype was not available at the time of variant classification. Additional details can be found in publication PMID: 35346344, PMCID: PMC8962531